The following is an entry in ClinVar:

ClinVar aggregate classification (germline): Conflicting classifications of pathogenicity. Review status: criteria provided, conflicting classifications (1 of 4 stars). 6 submissions from 6 submitters: Uncertain significance (5); Likely benign (1). Last evaluated 2026-09-12.

Conditions:
MET-related disorder. Also called: MET-related condition.
Renal cell carcinoma. Identifiers: Orphanet 217071, MedGen C0007134, MeSH D002292, MONDO:0005086, HP:0005584.
Autosomal recessive nonsyndromic hearing loss 97. Also called: Deafness, autosomal recessive 97. Identifiers: Orphanet 90636, MedGen C4084709, MONDO:0014739, OMIM 616705.
Hereditary cancer-predisposing syndrome. Also called: Neoplastic Syndromes, Hereditary; Hereditary neoplastic syndrome; Hereditary Cancer Syndrome; Tumor predisposition. Identifiers: Orphanet 140162, MedGen C0027672, MeSH D009386, MONDO:0015356.

Allele frequency attached by ClinVar (database versions not stated): ExAC 0.00001; gnomAD 0.00004; gnomAD exomes 0.00005; TOPMed 0.00007.
gnomAD v4.1: 91 of 1,614,046 alleles (0.0056%); highest among the groups gnomAD compares: Non-Finnish European, 0.0067%; no homozygotes.

Submissions (6):

PreventionGenetics, part of Exact Sciences
Classification: Uncertain significance for MET-related condition. Last evaluated: 2026-09-12. Review status: criteria provided, single submitter. Criteria: ACMG Guidelines, 2015. Collection method: clinical testing. Allele origin: germline.
Comment: The MET c.3172T>C variant is predicted to result in the amino acid substitution p.Ser1058Pro. To our knowledge, this variant has not been reported in the literature in individuals with MET-related conditions. This variant is reported in 0.013% of alleles in individuals of European (Non-Finnish) descent in gnomAD. This variant has interpretations ranging from likely benign to uncertain in ClinVar (Variation ID: 246636). At this time, the clinical significance of this variant is uncertain due to the absence of conclusive functional and genetic evidence.

Labcorp Genetics (formerly Invitae), Labcorp
Classification: Uncertain significance for Renal cell carcinoma. Last evaluated: 2026-01-27. Review status: criteria provided, single submitter. Criteria: Invitae Variant Classification Sherloc (09022015). Collection method: clinical testing. Allele origin: germline.
Comment: This sequence change replaces serine, which is neutral and polar, with proline, which is neutral and non-polar, at codon 1058 of the MET protein (p.Ser1058Pro). This variant is present in population databases (rs771328219, gnomAD 0.01%). This variant has not been reported in the literature in individuals affected with MET-related conditions. ClinVar contains an entry for this variant (Variation ID: 246636). An algorithm developed to predict the effect of missense changes on protein structure and function (PolyPhen-2) suggests that this variant is likely to be disruptive. In summary, the available evidence is currently insufficient to determine the role of this variant in disease. Therefore, it has been classified as a Variant of Uncertain Significance.

Quest Diagnostics Nichols Institute San Juan Capistrano
Classification: Uncertain significance. Last evaluated: 2024-11-16. Review status: criteria provided, single submitter. Criteria: Quest Diagnostics criteria. Collection method: clinical testing. Allele origin: unknown.
Comment: The MET c.3172T>C (p.Ser1058Pro) variant has been reported in the published literature in an individual with breast and/or ovarian cancer (PMID: 27153395 (2016)). The frequency of this variant in the general population, 0.000064 (2/31410 chromosomes (Genome Aggregation Database)), is uninformative in the assessment of its pathogenicity. Analysis of this variant using bioinformatics tools for the prediction of the effect of amino acid changes on protein structure and function yielded predictions that this variant is damaging. Based on the available information, we are unable to determine the clinical significance of this variant.

Baylor Genetics
Classification: Uncertain significance for Autosomal recessive nonsyndromic hearing loss 97. Last evaluated: 2024-02-27. Review status: criteria provided, single submitter. Criteria: ACMG Guidelines, 2015. Collection method: clinical testing. Allele origin: unknown.

GeneDx
Classification: Uncertain significance. Last evaluated: 2023-10-27. Review status: criteria provided, single submitter. Criteria: GeneDx Variant Classification Process June 2021. Collection method: clinical testing. Allele origin: germline. Affected: yes.
Comment: In silico analysis supports that this missense variant has a deleterious effect on protein structure/function; Observed in tumor and adjacent normal tissue from a patient with non-small cell lung cancer (PMID: 15735036); This variant is associated with the following publications: (PMID: 19037978, 19333071, 18340114, 23275061, 20139696, 31226345, 32964978, 15735036)

Ambry Genetics
Classification: Likely benign for Hereditary cancer-predisposing syndrome. Last evaluated: 2023-03-02. Review status: criteria provided, single submitter. Criteria: Ambry Variant Classification Scheme 2023. Collection method: clinical testing. Allele origin: germline.

Literature cited by the submitters: PubMed 15735036 (cited by Quest Diagnostics Nichols Institute San Juan Capistrano); PubMed 27153395 (cited by Quest Diagnostics Nichols Institute San Juan Capistrano).

NM_000245.4(MET):c.3118T>C (p.Ser1040Pro)

Gene: MET (MET proto-oncogene, receptor tyrosine kinase; plus strand). Cytogenetic location: 7q31.2.
Variant type: single nucleotide variant.
Coding change: c.3118T>C on transcript NM_000245.4 (MANE Select); coding-DNA position 3118, T replaced by C.
Protein change: p.Ser1040Pro; replaces serine 1040 with proline.
Molecular consequence: missense variant.
Genome position (GRCh38, 1-based): chr7:116,774,970, T>C. VCF-style: chr7-116774970-T-C. GRCh37 (hg19) VCF-style: chr7-116415024-T-C.
Other names: c.3172T>C, p.Ser1058Pro (NM_001127500.3); c.1828T>C, p.Ser610Pro (NM_001324402.2); c.3172T>C (LRG_662t1, NM_001127500.2); short protein forms S1058P, S1040P, S610P.
Identifiers: ClinVar variation 246636 (VCV000246636.21), dbSNP rs771328219, ClinGen allele CA4448656.